The following is an entry in ClinVar:

NM_001165963.4(SCN1A):c.602+6_602+7dup

Gene: SCN1A (sodium voltage-gated channel alpha subunit 1; minus strand). Cytogenetic location: 2q24.3.
Variant type: Duplication.
Coding change: c.602+6_602+7dup on transcript NM_001165963.4 (MANE Select); bases 6 to 7 of the intron after coding-DNA position 602, 2 bases duplicated (TG; older notation c.602+6_602+7dupTG).
Molecular consequence: intron variant.
Genome position (GRCh38, 1-based): chr2:166,054,631-166,054,632, CA duplicated on the plus strand (TG on the coding strand, the reverse complement: SCN1A is on the minus strand); duplicating any 2 consecutive bases within chr2:166,054,631-166,054,633 gives the same sequence; the c. name uses the placement nearest the transcript's 3' end. VCF-style (leftmost placement, unchanged base first): chr2-166054630-G-GCA. GRCh37 (hg19) VCF-style: chr2-166911140-G-GCA.
Other names: c.602+6_602+7dup (NM_001165963.1, NM_001353949.2, NM_001353958.2 and 11 more transcripts); c.-1824+6_-1824+7dup (NM_001353961.2).
Identifiers: ClinVar variation 257623 (VCV000257623.39), dbSNP rs577627288, ClinGen allele CA317082.
Genomic context (GRCh38, chr2:166,054,630, plus strand): 5'-TTAAAAGCATAAGCACTGATGGAAAACCAAACTATGTTCTCTCTTAAAGTTTCAAAAAAG[G>GCA]CACTTACGCAAATGTAATGACAGTGAAATCGAGCCAGTTCCATGGATCCCGAAGGAAAGT-3'

ClinVar aggregate classification (germline): Benign/Likely benign. Review status: criteria provided, multiple submitters, no conflicts (2 of 4 stars). 6 submissions from 6 submitters: Benign (4); Likely benign (2). Last evaluated 2026-05-01.

Conditions:
Migraine, familial hemiplegic, 3. Identifiers: Orphanet 569, MedGen C1864987, MONDO:0012320, OMIM 609634.
Developmental and epileptic encephalopathy 6B. Also called: Developmental and epileptic encephalopathy 6B, non-Dravet. Identifiers: MedGen C5543353, MONDO:0030268, OMIM 619317.
Generalized epilepsy with febrile seizures plus, type 2 (GEFSP2). Also called: GEFS+, TYPE 2. Identifiers: Orphanet 36387, MedGen C1858673, MONDO:0011461, OMIM 604403.
Severe myoclonic epilepsy in infancy (DRVT). Also called: Epileptic encephalopathy, early infantile, 6 (Dravet syndrome); DEVELOPMENTAL AND EPILEPTIC ENCEPHALOPATHY 6A; Severe Myoclonic Epilepsy in Infancy (SMEI); Dravet syndrome; SEVERE MYOCLONIC EPILEPSY OF INFANCY. Identifiers: Orphanet 33069, MedGen C0751122, MONDO:0100135, OMIM 607208.
Early-infantile DEE. Also called: Ohtahara syndrome; Early infantile epileptic encephalopathy; Early infantile epileptic encephalopathy with suppression bursts. Identifiers: Orphanet 1934, MedGen C0393706, MONDO:0800491.

Submissions (6):

CeGaT Center for Human Genetics Tuebingen
Classification: Benign. Last evaluated: 2026-05-01. Review status: criteria provided, single submitter. Criteria: CeGaT Center For Human Genetics Tuebingen Variant Classification Criteria Version 2. Collection method: clinical testing. Allele origin: germline. Affected: yes. Observed: 5 variant alleles.
Comment: SCN1A: BP4, BS1, BS2

Labcorp Genetics (formerly Invitae), Labcorp
Classification: Benign for Early-infantile DEE. Last evaluated: 2026-01-16. Review status: criteria provided, single submitter. Criteria: Invitae Variant Classification Sherloc (09022015). Collection method: clinical testing. Allele origin: germline.

Blueprint Genetics
Classification: Likely benign. Last evaluated: 2024-07-02. Review status: criteria provided, single submitter. Criteria: ACMG Guidelines, 2015. Collection method: clinical testing. Allele origin: germline.

Fulgent Genetics
Classification: Likely benign for Generalized epilepsy with febrile seizures plus, type 2; Severe myoclonic epilepsy in infancy; Migraine, familial hemiplegic, 3; Developmental and epileptic encephalopathy 6B. Last evaluated: 2022-02-13. Review status: criteria provided, single submitter. Criteria: ACMG Guidelines, 2015. Collection method: clinical testing. Allele origin: unknown.

GeneDx
Classification: Benign. Last evaluated: 2013-10-04. Review status: criteria provided, single submitter. Criteria: GeneDx Variant Classification (06012015). Collection method: clinical testing. Allele origin: germline. Affected: yes.
Comment: The variant is found in EPILEPSY,INFANT-EPI panel(s).

PreventionGenetics, part of Exact Sciences
Classification: Benign. Review status: criteria provided, single submitter. Criteria: ACMG Guidelines, 2015. Collection method: clinical testing. Allele origin: germline.